The following is an entry in ClinVar:

ClinVar aggregate classification (germline): Conflicting classifications of pathogenicity. Review status: criteria provided, conflicting classifications (1 of 4 stars). 9 submissions from 9 submitters: Uncertain significance (4); Likely benign (5). Last evaluated 2025-12-26.

Conditions:
RBM20-related disorder. Also called: RBM20-related condition.
Cardiovascular phenotype. Identifiers: MedGen CN230736.
Cardiomyopathy (CMYO). Also called: Cardiomyopathies. Identifiers: Orphanet 167848, MedGen C0878544, MONDO:0004994, HP:0001638. Inheritance: Various modes of inheritance.
Dilated cardiomyopathy 1DD (CMD1DD). Identifiers: Orphanet 154, MedGen C2750995, MONDO:0013168, OMIM 613172.

Allele frequency attached by ClinVar (database versions not stated): gnomAD 0.00003; TOPMed 0.00006; 1000 Genomes Project 30x 0.00016; ESP Exome Variant Server 0.00022.

Submissions (9):

Labcorp Genetics (formerly Invitae), Labcorp
Classification: Likely benign for Dilated cardiomyopathy 1DD. Last evaluated: 2025-12-26. Review status: criteria provided, single submitter. Criteria: Invitae Variant Classification Sherloc (09022015). Collection method: clinical testing. Allele origin: germline.

Women's Health and Genetics/Laboratory Corporation of America, LabCorp
Classification: Likely benign. Last evaluated: 2023-08-19. Review status: criteria provided, single submitter. Criteria: LabCorp Variant Classification Summary - May 2015. Collection method: clinical testing. Allele origin: germline.

Ambry Genetics
Classification: Likely benign for Cardiovascular phenotype. Last evaluated: 2023-07-17. Review status: criteria provided, single submitter. Criteria: Ambry Variant Classification Scheme 2023. Collection method: clinical testing. Allele origin: germline.

CHEO Genetics Diagnostic Laboratory, Children's Hospital of Eastern Ontario
Classification: Likely benign for Cardiomyopathy. Last evaluated: 2023-06-06. Review status: criteria provided, single submitter. Criteria: ACMG Guidelines, 2015. Collection method: clinical testing. Allele origin: germline.

Blueprint Genetics
Classification: Likely benign. Last evaluated: 2023-05-19. Review status: criteria provided, single submitter. Criteria: ACMG Guidelines, 2015. Collection method: clinical testing. Allele origin: germline.

GeneDx
Classification: Uncertain significance. Last evaluated: 2023-01-25. Review status: criteria provided, single submitter. Criteria: GeneDx Variant Classification Process June 2021. Collection method: clinical testing. Allele origin: germline. Affected: yes.
Comment: Identified in association with HCM in published literature (Lopes et al., 2015); In silico analysis supports that this missense variant does not alter protein structure/function; This variant is associated with the following publications: (PMID: 25351510)

PreventionGenetics, part of Exact Sciences
Classification: Uncertain significance for RBM20-related condition. Last evaluated: 2022-09-08. Review status: criteria provided, single submitter. Criteria: ACMG Guidelines, 2015. Collection method: clinical testing. Allele origin: germline.
Comment: The RBM20 c.2905G>A variant is predicted to result in the amino acid substitution p.Val969Ile. To our knowledge, this variant has not been reported in the literature. This variant is reported in 0.044% of alleles in individuals of South Asian descent in gnomAD. Although we suspect that this variant may be benign, at this time, the clinical significance of this variant is uncertain due to the absence of conclusive functional and genetic evidence.

Phosphorus, Inc.
Classification: Uncertain significance. Last evaluated: 2022-01-15. Review status: criteria provided, single submitter. Criteria: ACMG Guidelines, 2015. Collection method: clinical testing. Allele origin: germline. Inheritance: Autosomal dominant inheritance.
Comment: This missense variant resulted in an amino acid substitution of valine with isoleucine at codon 969 of the RBM20 gene. The variant has occurred in GnomAD with a total MAF of 0.0118% and with the highest MAF of 0.0438% in the South Asian population. This position is not conserved. In silico functional algorithm predicted with Polyphen calling it benign, and SIFT tolerated, but no functional studies were performed to confirm this prediction. This variant NM_001134363.3(RBM20):c.2905G>A (p.Val969Ile) is present in the ClinVar database (ID: 470606). The variant has not occurred in the literature in the association with the disease. Considering that this is a rare variant, whose impact on protein and association with the disease are unknown, it has been classified as a Variant of Uncertain Significance.

Fulgent Genetics
Classification: Uncertain significance for Dilated cardiomyopathy 1DD. Last evaluated: 2021-08-11. Review status: criteria provided, single submitter. Criteria: ACMG Guidelines, 2015. Collection method: clinical testing. Allele origin: unknown.

Literature cited by the submitters: PubMed 25351510 (cited by Ambry Genetics).

NM_001134363.3(RBM20):c.2905G>A (p.Val969Ile)

Gene: RBM20 (RNA binding motif protein 20; plus strand). Cytogenetic location: 10q25.2.
Variant type: single nucleotide variant.
Coding change: c.2905G>A on transcript NM_001134363.3 (MANE Select); coding-DNA position 2905, G replaced by A.
Protein change: p.Val969Ile; replaces valine 969 with isoleucine.
Molecular consequence: missense variant.
Genome position (GRCh38, 1-based): chr10:110,821,524, G>A. VCF-style: chr10-110821524-G-A. GRCh37 (hg19) VCF-style: chr10-112581282-G-A.
Other names: short protein forms V969I.
Identifiers: ClinVar variation 470606 (VCV000470606.19), dbSNP rs369747752, ClinGen allele CA5688717.